The following is an entry in ClinVar:

ClinVar aggregate classification (germline): Likely pathogenic (1 of 4 stars; one submission).

Conditions:
Autosomal recessive Alport syndrome (ATS2). Also called: COL4A3-Related Nephropathy; COL4A4 Alport Syndrome and Thin Basement Membrane Nephropathy; ALPORT SYNDROME 2, AUTOSOMAL RECESSIVE; Alport syndrome type 2. Identifiers: Orphanet 63, Orphanet 88919, MedGen C4746745, MONDO:0008762, OMIM 203780.

Submission:

Myriad Genetics, Inc.
Classification: Likely pathogenic for Autosomal recessive Alport syndrome. Last evaluated: 2021-11-07. Review status: criteria provided, single submitter. Criteria: Myriad Women's Health Autosomal Recessive and X-Linked Classification Criteria (2021). Collection method: clinical testing. Allele origin: unknown.
Comment: NM_000092.4(COL4A4):c.1865dupG(K623Qfs*34) is expected to be pathogenic in the context of COL4A4-related Alport syndrome. This variant is predicted to lead to an abnormal or absent protein product due to the creation of a premature termination codon in COL4A4, a gene where loss-of-function variants are known to be pathogenic. Please note: this variant was assessed in the context of healthy population screening.

NM_000092.5(COL4A4):c.1865dup (p.Lys623fs)

Gene: COL4A4 (collagen type IV alpha 4 chain; minus strand). Cytogenetic location: 2q36.3.
Variant type: Duplication.
Coding change: c.1865dup on transcript NM_000092.5 (MANE Select); coding-DNA position 1865, one base duplicated (G; older notation c.1865dupG).
Protein change: p.Lys623fs; shifts the reading frame from lysine 623.
Molecular consequence: frameshift variant.
Genome position (GRCh38, 1-based): chr2:227,078,016, C duplicated on the plus strand (G on the coding strand, the reverse complement: COL4A4 is on the minus strand); the first of 2 consecutive C bases (chr2:227,078,016-227,078,017); duplicating either gives the same sequence. VCF-style (leftmost placement, unchanged base first): chr2-227078015-G-GC. GRCh37 (hg19) VCF-style: chr2-227942731-G-GC.
Other names: short protein forms K623fs.
Identifiers: ClinVar variation 1724175 (VCV001724175.2), dbSNP rs1213277033, ClinGen allele CA2580065827.